The following is an entry in ClinVar:

NM_177438.3(DICER1):c.[1744A>T;1747G>T]

Variant type: Haplotype.
Identifiers: ClinVar variation 4759274 (VCV004759274.1).

ClinVar aggregate classification (germline): Likely pathogenic (1 of 4 stars; one submission).

Conditions:
DICER1-related tumor predisposition. Also called: DICER1 syndrome; DICER1-related pleuropulmonary blastoma cancer predisposition syndrome. Identifiers: Orphanet 284343, MedGen C3839822, MONDO:0100216.

Submission:

Institute for Genomic Medicine (IGM) Clinical Laboratory, Nationwide Children's Hospital
Classification: Likely pathogenic for DICER1-related tumor predisposition. Last evaluated: 2023-07-21. Review status: criteria provided, single submitter. Criteria: ACMG Guidelines, 2015. Collection method: clinical testing. Allele origin: germline.
Comment: This variant is predicted to result in loss of function through nonsense-mediated decay of the encoded transcript or premature truncation of the encoded protein in a gene in which loss of function is a known mechanism of disease (ACMG/AMP: PVS1; PMIDs:26925222, 19556464, 21266384). This variant is absent from or present at an exceedingly low frequency in gnomAD, a large-scale control population database (ACMG/AMP: PM2).

Literature cited by the submitters: PubMed 26925222; PubMed 19556464; PubMed 21266384.